The following is an entry in ClinVar:

NM_005475.3(SH2B3):c.1709A>G (p.Asn570Ser)

Gene: SH2B3 (SH2B adaptor protein 3; plus strand). Cytogenetic location: 12q24.12.
Variant type: single nucleotide variant.
Coding change: c.1709A>G on transcript NM_005475.3 (MANE Select); coding-DNA position 1709, A replaced by G.
Protein change: p.Asn570Ser; replaces asparagine 570 with serine.
Molecular consequence: missense variant.
Genome position (GRCh38, 1-based): chr12:111,448,283, A>G. VCF-style: chr12-111448283-A-G. GRCh37 (hg19) VCF-style: chr12-111886087-A-G.
Other names: c.1103A>G, p.Asn368Ser (NM_001291424.1); short protein forms N368S, N570S.
Identifiers: ClinVar variation 4163929 (VCV004163929.1).

ClinVar aggregate classification (germline): Uncertain significance (1 of 4 stars; one submission).

Conditions:
Inborn genetic diseases. Identifiers: MedGen C0950123, MeSH D030342.

gnomAD v4.1: 1 of 1,612,928 alleles (0.000062%); highest among the groups gnomAD compares: Non-Finnish European, 0.000085%; no homozygotes.

Submission:

Ambry Genetics
Classification: Uncertain significance for Inborn genetic diseases. Last evaluated: 2025-07-03. Review status: criteria provided, single submitter. Criteria: Ambry Variant Classification Scheme 2023. Collection method: clinical testing. Allele origin: germline.
Comment: The p.N570S variant (also known as c.1709A>G), located in coding exon 7 of the SH2B3 gene, results from an A to G substitution at nucleotide position 1709. The asparagine at codon 570 is replaced by serine, an amino acid with highly similar properties. This amino acid position is conserved. In addition, this alteration is predicted to be tolerated by in silico analysis. Based on the available evidence, the clinical significance of this variant remains unclear.